The following is an entry in ClinVar:

NM_004260.4(RECQL4):c.647A>G (p.Glu216Gly)

Gene: RECQL4 (RecQ like helicase 4; minus strand). Cytogenetic location: 8q24.3.
Variant type: single nucleotide variant.
Coding change: c.647A>G on transcript NM_004260.4 (MANE Select); coding-DNA position 647, A replaced by G.
Protein change: p.Glu216Gly; replaces glutamic acid 216 with glycine.
Molecular consequence: missense variant.
Genome position (GRCh38, 1-based): chr8:144,516,472, T>C on the plus strand (A>G on the coding strand, the complement: RECQL4 is on the minus strand). VCF-style: chr8-144516472-T-C. GRCh37 (hg19) VCF-style: chr8-145741856-T-C.
Other names: c.647A>G (NM_004260.3); short protein forms E216G.
Identifiers: ClinVar variation 1402875 (VCV001402875.8), dbSNP rs531780795, ClinGen allele CA4949223.

ClinVar aggregate classification (germline): Conflicting classifications of pathogenicity. Review status: criteria provided, conflicting classifications (1 of 4 stars). 3 submissions from 3 submitters: Uncertain significance (1); Likely benign (2). Last evaluated 2026-01-19.

Conditions:
Inborn genetic diseases. Identifiers: MedGen C0950123, MeSH D030342.
Baller-Gerold syndrome (BGS). Also called: CRANIOSYNOSTOSIS WITH RADIAL DEFECTS. Identifiers: Orphanet 1225, MedGen C0265308, MONDO:0009039, OMIM 218600.

Allele frequency attached by ClinVar (database versions not stated): gnomAD 0.00001; gnomAD exomes 0.00004 and 0.00007; ExAC 0.00014; 1000 Genomes Project 30x 0.00016; 1000 Genomes Project 0.00020.

Submissions (3):

Labcorp Genetics (formerly Invitae), Labcorp
Classification: Uncertain significance for Baller-Gerold syndrome. Last evaluated: 2026-01-19. Review status: criteria provided, single submitter. Criteria: Invitae Variant Classification Sherloc (09022015). Collection method: clinical testing. Allele origin: germline.
Comment: This sequence change replaces glutamic acid, which is acidic and polar, with glycine, which is neutral and non-polar, at codon 216 of the RECQL4 protein (p.Glu216Gly). This variant is present in population databases (rs531780795, gnomAD 0.06%). This variant has not been reported in the literature in individuals affected with RECQL4-related conditions. ClinVar contains an entry for this variant (Variation ID: 1402875). Invitae Evidence Modeling of protein sequence and biophysical properties (such as structural, functional, and spatial information, amino acid conservation, physicochemical variation, residue mobility, and thermodynamic stability) indicates that this missense variant is not expected to disrupt RECQL4 protein function with a negative predictive value of 80%. In summary, the available evidence is currently insufficient to determine the role of this variant in disease. Therefore, it has been classified as a Variant of Uncertain Significance.

Ambry Genetics
Classification: Likely benign for Inborn genetic diseases. Last evaluated: 2025-03-03. Review status: criteria provided, single submitter. Criteria: Ambry Variant Classification Scheme 2023. Collection method: clinical testing. Allele origin: germline.

Blueprint Genetics
Classification: Likely benign. Last evaluated: 2024-10-23. Review status: criteria provided, single submitter. Criteria: ACMG Guidelines, 2015. Collection method: clinical testing. Allele origin: germline.